The following is an entry in ClinVar:

ClinVar aggregate classification (germline): Uncertain significance (1 of 4 stars; one submission).

Allele frequency attached by ClinVar (database versions not stated): ExAC 0.00006; ESP Exome Variant Server 0.00015; 1000 Genomes Project 0.00040; 1000 Genomes Project 30x 0.00047.
gnomAD v4.1: 36 of 1,583,100 alleles (0.0023%); highest among the groups gnomAD compares: African/African-American, 0.019%; no homozygotes.

Submission:

GeneDx
Classification: Uncertain significance. Last evaluated: 2022-01-11. Review status: criteria provided, single submitter. Criteria: GeneDx Variant Classification Process June 2021. Collection method: clinical testing. Allele origin: germline. Affected: yes.
Comment: In silico analysis supports that this missense variant does not alter protein structure/function; Has not been previously published as pathogenic or benign to our knowledge

NM_004970.3(IGFALS):c.751C>T (p.Arg251Cys)

Gene: IGFALS (insulin like growth factor binding protein acid labile subunit; minus strand). Cytogenetic location: 16p13.3.
Variant type: single nucleotide variant.
Coding change: c.751C>T on transcript NM_004970.3 (MANE Select); coding-DNA position 751, C replaced by T.
Protein change: p.Arg251Cys; replaces arginine 251 with cysteine.
Molecular consequence: missense variant. On other transcripts: non-coding transcript variant (1).
Genome position (GRCh38, 1-based): chr16:1,791,667, G>A on the plus strand (C>T on the coding strand, the complement: IGFALS is on the minus strand). VCF-style: chr16-1791667-G-A. GRCh37 (hg19) VCF-style: chr16-1841668-G-A.
Other names: c.865C>T, p.Arg289Cys (NM_001146006.2); short protein forms R251C, R289C.
Identifiers: ClinVar variation 1698093 (VCV001698093.2), dbSNP rs141404750, ClinGen allele CA7820499.